The following is an entry in ClinVar:

NM_006231.4(POLE):c.3060+4A>G

Gene: POLE (DNA polymerase epsilon, catalytic subunit; minus strand). Cytogenetic location: 12q24.33.
Variant type: single nucleotide variant.
Coding change: c.3060+4A>G on transcript NM_006231.4 (MANE Select); 4 bases into the intron after coding-DNA position 3060, A replaced by G.
Molecular consequence: intron variant.
Genome position (GRCh38, 1-based): chr12:132,660,965, T>C on the plus strand (A>G on the coding strand, the complement: POLE is on the minus strand). VCF-style: chr12-132660965-T-C. GRCh37 (hg19) VCF-style: chr12-133237551-T-C.
Identifiers: ClinVar variation 3706846 (VCV003706846.2).

ClinVar aggregate classification (germline): Uncertain significance (1 of 4 stars; one submission).

gnomAD v4.1: 1 of 1,598,350 alleles (0.000063%); highest among the groups gnomAD compares: Non-Finnish European, 0.000085%; no homozygotes.

Submission:

Labcorp Genetics (formerly Invitae), Labcorp
Classification: Uncertain significance. Last evaluated: 2025-01-28. Review status: criteria provided, single submitter. Criteria: Invitae Variant Classification Sherloc (09022015). Collection method: clinical testing. Allele origin: germline.
Comment: This sequence change falls in intron 25 of the POLE gene. It does not directly change the encoded amino acid sequence of the POLE protein. It affects a nucleotide within the consensus splice site. This variant is not present in population databases (gnomAD no frequency). This variant has not been reported in the literature in individuals affected with POLE-related conditions. Variants that disrupt the consensus splice site are a relatively common cause of aberrant splicing (PMID: 17576681, 9536098). Algorithms developed to predict the effect of sequence changes on RNA splicing suggest that this variant is not likely to affect RNA splicing. In summary, the available evidence is currently insufficient to determine the role of this variant in disease. Therefore, it has been classified as a Variant of Uncertain Significance.

Literature cited by the submitters: PubMed 17576681; PubMed 9536098.